The following is an entry in ClinVar:

NM_001002295.2(GATA3):c.*517A>G

Gene: GATA3 (GATA binding protein 3; plus strand). Cytogenetic location: 10p14.
Variant type: single nucleotide variant.
Coding change: c.*517A>G on transcript NM_001002295.2 (MANE Select); 517 bases downstream of the stop codon, A replaced by G.
Molecular consequence: 3 prime UTR variant.
Genome position (GRCh38, 1-based): chr10:8,074,540, A>G. VCF-style: chr10-8074540-A-G. GRCh37 (hg19) VCF-style: chr10-8116503-A-G.
Other names: c.*517A>G (NM_002051.3).
Identifiers: ClinVar variation 301138 (VCV000301138.6), dbSNP rs9746, ClinGen allele CA10629244.

ClinVar aggregate classification (germline): Benign. Review status: criteria provided, multiple submitters, no conflicts (2 of 4 stars). 2 submissions from 2 submitters: Benign (2). Last evaluated 2018-01-12.

Conditions:
Hypoparathyroidism, deafness, renal disease syndrome (HDRS). Also called: HYPOPARATHYROIDISM, SENSORINEURAL DEAFNESS, AND RENAL DYSPLASIA SYNDROME. Identifiers: Orphanet 2237, MedGen C1840333, MONDO:0007797, OMIM 146255.

Allele frequency attached by ClinVar (database versions not stated): TOPMed 0.16562; gnomAD 0.16581 and 0.16747; gnomAD exomes 0.17794; 1000 Genomes Project 30x 0.18270; 1000 Genomes Project 0.18550.

Submissions (2):

Illumina Laboratory Services, Illumina
Classification: Benign for Hypoparathyroidism, deafness, renal disease syndrome. Last evaluated: 2018-01-12. Review status: criteria provided, single submitter. Criteria: ICSL Variant Classification Criteria 13 December 2019. Collection method: clinical testing. Allele origin: germline.
Comment: This variant was observed in the ICSL laboratory as part of a predisposition screen in an ostensibly healthy population. It had not been previously curated by ICSL or reported in the Human Gene Mutation Database (HGMD: prior to June 1st, 2018), and was therefore a candidate for classification through an automated scoring system. Utilizing variant allele frequency, disease prevalence and penetrance estimates, and inheritance mode, an automated score was calculated to assess if this variant is too frequent to cause the disease. Based on the score and internal cut-off values, a variant classified as benign is not then subjected to further curation. The score for this variant resulted in a classification of benign for this disease.

Breakthrough Genomics
Classification: Benign. Review status: criteria provided, single submitter. Criteria: ACMG Guidelines, 2015. Collection method: not provided. Allele origin: germline. Inheritance: Autosomal dominant inheritance. Affected: yes.